The following is an entry in ClinVar:

ClinVar aggregate classification (germline): Benign/Likely benign. Review status: criteria provided, multiple submitters, no conflicts (2 of 4 stars). 2 submissions from 2 submitters: Benign (1); Likely benign (1). Last evaluated 2024-03-22.

Conditions:
Familial adenomatous polyposis 1 (FAP1). Also called: FAMILIAL ADENOMATOUS POLYPOSIS 1, ATTENUATED; POLYPOSIS, ADENOMATOUS INTESTINAL. Identifiers: MedGen C2713442, MONDO:0021056, OMIM 175100. Disease mechanism: loss of function.

Allele frequency attached by ClinVar (database versions not stated): gnomAD exomes below 0.00001; TOPMed below 0.00001.
gnomAD v4.1: 1 of 1,614,190 alleles (0.000062%); highest among the groups gnomAD compares: Non-Finnish European, 0.000085%; no homozygotes.

Submissions (2):

Myriad Genetics, Inc.
Classification: Benign for Familial adenomatous polyposis 1. Last evaluated: 2024-03-22. Review status: criteria provided, single submitter. Criteria: Myriad Autosomal Dominant, Autosomal Recessive and X-Linked Classification Criteria (2023). Collection method: clinical testing. Allele origin: unknown.
Comment: This variant is considered benign. This variant is a silent/synonymous amino acid change and it is not expected to impact splicing.

Labcorp Genetics (formerly Invitae), Labcorp
Classification: Likely benign for Familial adenomatous polyposis 1. Last evaluated: 2021-10-31. Review status: criteria provided, single submitter. Criteria: Invitae Variant Classification Sherloc (09022015). Collection method: clinical testing. Allele origin: germline.

NM_000038.6(APC):c.3942G>A (p.Arg1314=)

Gene: APC (APC regulator of Wnt signaling pathway; plus strand). Cytogenetic location: 5q22.2.
Variant type: single nucleotide variant.
Coding change: c.3942G>A on transcript NM_000038.6 (MANE Select); coding-DNA position 3942, G replaced by A.
Protein change: p.Arg1314=; no amino-acid change (arginine 1314 retained).
Molecular consequence: synonymous variant.
Genome position (GRCh38, 1-based): chr5:112,839,536, G>A. VCF-style: chr5-112839536-G-A. GRCh37 (hg19) VCF-style: chr5-112175233-G-A.
Other names: c.3942G>A, p.Arg1314= (NM_001127510.3, NM_001354895.2); c.3888G>A, p.Arg1296= (NM_001127511.3); c.3996G>A, p.Arg1332= (NM_001354896.2); c.3972G>A, p.Arg1324= (NM_001354897.2); c.3867G>A, p.Arg1289= (NM_001354898.2); c.3858G>A, p.Arg1286= (NM_001354899.2); c.3819G>A, p.Arg1273= (NM_001354900.2); c.3765G>A, p.Arg1255= (NM_001354901.2); and 5 more.
Identifiers: ClinVar variation 1610050 (VCV001610050.9), dbSNP rs1315459181, ClinGen allele CA445963925.
Genomic context (GRCh38, chr5:112,839,536, plus strand): 5'-GGAAGCAGATTCTGCTAATACCCTGCAAATAGCAGAAATAAAAGAAAAGATTGGAACTAG[G>A]TCAGCTGAAGATCCTGTGAGCGAAGTTCCAGCAGTGTCACAGCACCCTAGAACCAAATCC-3'
Protein context (NP_000029.2, residues 1304-1324): IAEIKEKIGT[Arg1314=]SAEDPVSEVP